The following is an entry in ClinVar:

NM_024675.4(PALB2):c.2587-17T>C

Gene: PALB2 (partner and localizer of BRCA2; minus strand). Cytogenetic location: 16p12.2.
Variant type: single nucleotide variant.
Coding change: c.2587-17T>C on transcript NM_024675.4 (MANE Select); 17 bases into the intron before coding-DNA position 2587, T replaced by C.
Molecular consequence: intron variant.
Genome position (GRCh38, 1-based): chr16:23,626,414, A>G on the plus strand (T>C on the coding strand, the complement: PALB2 is on the minus strand). VCF-style: chr16-23626414-A-G. GRCh37 (hg19) VCF-style: chr16-23637735-A-G.
Other names: c.1702-17T>C (NM_001407308.1, NM_001407306.1, NM_001407309.1 and 4 more transcripts); c.121-17T>C (NM_001407314.1); c.799-17T>C (NM_001407313.1, NM_001407312.1); c.2527-17T>C (NM_001407296.1); c.2515-17T>C (NM_001407297.1); c.2587-2320T>C (NM_001407302.1, NM_001407298.1); c.2587-17T>C (NM_001407300.1, NM_001407299.1, NM_001407301.1); c.1702-2320T>C (NM_001407307.1).
Identifiers: ClinVar variation 3903675 (VCV003903675.1).
Genomic context (GRCh38, chr16:23,626,414, plus strand): 5'-CAAAACATGGCACTCACATCTACGGAACAGGAACCTGAAGGATTCTGACACAATGGCAAC[A>G]GTTCTGTTAAAGTGGCACTCGAGTGCTGTTTTATGCAAAGCATAAGTATGCAAAGTGATG-3'

ClinVar aggregate classification (germline): Likely benign (1 of 4 stars; one submission).

Conditions:
Familial cancer of breast. Also called: Hereditary breast cancer; hereditary breast carcinoma; BREAST CANCER, FAMILIAL. Identifiers: Orphanet 227535, MedGen C0346153, MONDO:0016419, OMIM 114480. Disease mechanism: loss of function.

Submission:

Myriad Genetics, Inc.
Classification: Likely benign for Familial cancer of breast. Last evaluated: 2025-01-16. Review status: criteria provided, single submitter. Criteria: Myriad Autosomal Dominant, Autosomal Recessive and X-Linked Classification Criteria (2023). Collection method: clinical testing. Allele origin: unknown.
Comment: This variant is considered likely benign. This variant is intronic and is not expected to impact mRNA splicing.